The following is an entry in ClinVar:

NM_005918.4(MDH2):c.734-1G>C

Gene: MDH2 (malate dehydrogenase 2; plus strand). Cytogenetic location: 7q11.23.
Variant type: single nucleotide variant.
Coding change: c.734-1G>C on transcript NM_005918.4 (MANE Select); the canonical splice acceptor site of the intron before coding-DNA position 734, G replaced by C.
Molecular consequence: splice acceptor variant.
Genome position (GRCh38, 1-based): chr7:76,064,801, G>C. VCF-style: chr7-76064801-G-C. GRCh37 (hg19) VCF-style: chr7-75694119-G-C.
Other names: c.608-1G>C (NM_001282403.2); c.413-1G>C (NM_001282404.2).
Identifiers: ClinVar variation 3653755 (VCV003653755.2).
Genomic context (GRCh38, chr7:76,064,801, plus strand): 5'-CGGCTCACCTGGGCGTCACGTTTGTGGCACCAGCCAGGCTGACCTGTCTGTGCCCCCCTA[G>C]GCTCTGCCACCCTCTCCATGGCGTATGCCGGCGCCCGCTTTGTCTTCTCCCTTGTGGATG-3'

ClinVar aggregate classification (germline): Likely pathogenic (1 of 4 stars; one submission).

Submission:

Labcorp Genetics (formerly Invitae), Labcorp
Classification: Likely pathogenic. Last evaluated: 2024-05-18. Review status: criteria provided, single submitter. Criteria: Invitae Variant Classification Sherloc (09022015). Collection method: clinical testing. Allele origin: germline.
Comment: This sequence change affects an acceptor splice site in intron 7 of the MDH2 gene. It is expected to disrupt RNA splicing. Variants that disrupt the donor or acceptor splice site typically lead to a loss of protein function (PMID: 16199547), and loss-of-function variants in MDH2 are known to be pathogenic (PMID: 27989324). This variant is not present in population databases (gnomAD no frequency). This variant has not been reported in the literature in individuals affected with MDH2-related conditions. Algorithms developed to predict the effect of sequence changes on RNA splicing suggest that this variant may disrupt the consensus splice site. In summary, the currently available evidence indicates that the variant is pathogenic, but additional data are needed to prove that conclusively. Therefore, this variant has been classified as Likely Pathogenic.

Literature cited by the submitters: PubMed 16199547; PubMed 27989324.